The following is an entry in ClinVar:

ClinVar aggregate classification (germline): Uncertain significance (1 of 4 stars; one submission).

Submission:

Labcorp Genetics (formerly Invitae), Labcorp
Classification: Uncertain significance. Last evaluated: 2022-10-13. Review status: criteria provided, single submitter. Criteria: Invitae Variant Classification Sherloc (09022015). Collection method: clinical testing. Allele origin: germline.
Comment: A copy number gain of the genomic region encompassing the full coding sequence of the VCAN gene has been identified. The boundaries of this event are unknown as they extend beyond the assayed region for this gene and therefore may encompass additional genes. As the precise location of this event is unknown, it may be in tandem or it may be located elsewhere in the genome. Isolated whole-gene copy number gains of VCAN have not been reported in the literature. However, larger copy number events that include this gene have been reported (PMID: 22912587). In summary, the available evidence is currently insufficient to determine the role of this variant in disease. Therefore, it has been classified as a Variant of Uncertain Significance.

Literature cited by the submitters: PubMed 22912587.

NC_000005.9:g.(?_82648924)_(82876253_?)dup

Genes: VCAN (versican; plus strand), XRCC4 (X-ray repair cross complementing 4; plus strand). Cytogenetic location: 5q14.2-14.3.
Variant type: Duplication.
Identifiers: ClinVar variation 1374845 (VCV001374845.4).